The following is an entry in ClinVar:

ClinVar aggregate classification (germline): Uncertain significance. Review status: criteria provided, multiple submitters, no conflicts (2 of 4 stars). 2 submissions from 2 submitters: Uncertain significance (2). Last evaluated 2025-03-30.

Conditions:
Hereditary cancer-predisposing syndrome. Also called: Tumor predisposition; Hereditary neoplastic syndrome; Neoplastic Syndromes, Hereditary; Hereditary Cancer Syndrome. Identifiers: Orphanet 140162, MedGen C0027672, MeSH D009386, MONDO:0015356.

Submissions (2):

Ambry Genetics
Classification: Uncertain significance for Hereditary cancer-predisposing syndrome. Last evaluated: 2025-03-30. Review status: criteria provided, single submitter. Criteria: Ambry Variant Classification Scheme 2023. Collection method: clinical testing. Allele origin: germline.
Comment: The p.C84S variant (also known as c.251G>C), located in coding exon 2 of the TMEM127 gene, results from a G to C substitution at nucleotide position 251. The cysteine at codon 84 is replaced by serine, an amino acid with dissimilar properties. This amino acid position is conserved. In addition, this alteration is predicted to be deleterious by in silico analysis. Based on the available evidence, the clinical significance of this variant remains unclear.

GeneDx
Classification: Uncertain significance. Last evaluated: 2023-04-11. Review status: criteria provided, single submitter. Criteria: GeneDx Variant Classification Process June 2021. Collection method: clinical testing. Allele origin: germline. Affected: yes.
Comment: Not observed at significant frequency in large population cohorts (gnomAD); In silico analysis supports that this missense variant has a deleterious effect on protein structure/function; Has not been previously published as pathogenic or benign to our knowledge

NM_017849.4(TMEM127):c.251G>C (p.Cys84Ser)

Gene: TMEM127 (transmembrane protein 127; minus strand). Cytogenetic location: 2q11.2.
Variant type: single nucleotide variant.
Coding change: c.251G>C on transcript NM_017849.4 (MANE Select); coding-DNA position 251, G replaced by C.
Protein change: p.Cys84Ser; replaces cysteine 84 with serine.
Molecular consequence: missense variant. On other transcripts: 5 prime UTR variant (2).
Genome position (GRCh38, 1-based): chr2:96,254,991, C>G on the plus strand (G>C on the coding strand, the complement: TMEM127 is on the minus strand). VCF-style: chr2-96254991-C-G. GRCh37 (hg19) VCF-style: chr2-96920729-C-G.
Other names: c.251G>C, p.Cys84Ser (NM_001193304.3); c.-2G>C (NM_001407282.1, NM_001407283.1); short protein forms C84S.
Identifiers: ClinVar variation 2662646 (VCV002662646.2), dbSNP rs1684175500, ClinGen allele CA347653694.
Genomic context (GRCh38, chr2:96,254,991, plus strand): 5'-ATGCCCAGGAAACAGAAGGCGGCGATGACCCGCAGGAGCAGCACTGTCTGGGGATTCATG[C>G]AGAAATCTGTAGAGGGAGAACCAAATTTTCACGGCCCCAAGTAACACTTGGTGCAGGAAG-3'
Protein context (NP_060319.1, residues 74-94): YVHPDLLKDF[Cys84Ser]MNPQTVLLLR